The following is an entry in ClinVar:

NM_001395656.1(ROBO2):c.930C>T (p.Val310=)

Gene: ROBO2 (roundabout guidance receptor 2; plus strand). Cytogenetic location: 3p12.3.
Variant type: single nucleotide variant.
Coding change: c.930C>T on transcript NM_001395656.1 (MANE Select); coding-DNA position 930, C replaced by T.
Protein change: p.Val310=; no amino-acid change (valine 310 retained).
Molecular consequence: synonymous variant. On other transcripts: 5 prime UTR variant (1).
Genome position (GRCh38, 1-based): chr3:77,522,898, C>T. VCF-style: chr3-77522898-C-T. GRCh37 (hg19) VCF-style: chr3-77572049-C-T.
Other names: c.978C>T, p.Val326= (NM_001128929.3, NM_001378190.1, NM_001378191.1 and 5 more transcripts); c.930C>T, p.Val310= (NM_001290039.2, NM_001290040.2, NM_001378193.1 and 3 more transcripts); c.-989C>T (NM_001290065.2); c.999C>T, p.Val333= (NM_001378192.1, NM_001378194.1, NM_001378198.1 and 5 more transcripts).
Identifiers: ClinVar variation 346681 (VCV000346681.7), dbSNP rs370244031, ClinGen allele CA2496887.

ClinVar aggregate classification (germline): Benign. Review status: criteria provided, multiple submitters, no conflicts (2 of 4 stars). 2 submissions from 2 submitters: Benign (2). Last evaluated 2025-06-19.

Conditions:
Vesicoureteral reflux 2 (VUR2). Identifiers: Orphanet 289365, MedGen C1970483, MONDO:0012573, OMIM 610878.

Allele frequency attached by ClinVar (database versions not stated): gnomAD 0.00001 and 0.00003; TOPMed 0.00003; ESP Exome Variant Server 0.00008.
gnomAD v4.1: 106 of 1,608,814 alleles (0.0066%); highest among the groups gnomAD compares: South Asian, 0.071%; 1 homozygote.

Submissions (2):

Labcorp Genetics (formerly Invitae), Labcorp
Classification: Benign. Last evaluated: 2025-06-19. Review status: criteria provided, single submitter. Criteria: Invitae Variant Classification Sherloc (09022015). Collection method: clinical testing. Allele origin: germline.

Illumina Laboratory Services, Illumina
Classification: Benign for Vesicoureteral reflux 2. Last evaluated: 2018-01-13. Review status: criteria provided, single submitter. Criteria: ICSL Variant Classification Criteria 13 December 2019. Collection method: clinical testing. Allele origin: germline.
Comment: This variant was observed in the ICSL laboratory as part of a predisposition screen in an ostensibly healthy population. It had not been previously curated by ICSL or reported in the Human Gene Mutation Database (HGMD: prior to June 1st, 2018), and was therefore a candidate for classification through an automated scoring system. Utilizing variant allele frequency, disease prevalence and penetrance estimates, and inheritance mode, an automated score was calculated to assess if this variant is too frequent to cause the disease. Based on the score and internal cut-off values, a variant classified as benign is not then subjected to further curation. The score for this variant resulted in a classification of benign for this disease.